The following is an entry in ClinVar:

NM_006231.4(POLE):c.404C>G (p.Pro135Arg)

Gene: POLE (DNA polymerase epsilon, catalytic subunit; minus strand). Cytogenetic location: 12q24.33.
Variant type: single nucleotide variant.
Coding change: c.404C>G on transcript NM_006231.4 (MANE Select); coding-DNA position 404, C replaced by G.
Protein change: p.Pro135Arg; replaces proline 135 with arginine.
Molecular consequence: missense variant.
Genome position (GRCh38, 1-based): chr12:132,679,973, G>C on the plus strand (C>G on the coding strand, the complement: POLE is on the minus strand). VCF-style: chr12-132679973-G-C. GRCh37 (hg19) VCF-style: chr12-133256559-G-C.
Other names: short protein forms P135R.
Identifiers: ClinVar variation 1058379 (VCV001058379.9), dbSNP rs1565980234, ClinGen allele CA387368037.

ClinVar aggregate classification (germline): Uncertain significance (1 of 4 stars; one submission).

Submission:

Labcorp Genetics (formerly Invitae), Labcorp
Classification: Uncertain significance. Last evaluated: 2020-09-24. Review status: criteria provided, single submitter. Criteria: Invitae Variant Classification Sherloc (09022015). Collection method: clinical testing. Allele origin: germline.
Comment: In summary, the available evidence is currently insufficient to determine the role of this variant in disease. Therefore, it has been classified as a Variant of Uncertain Significance. Algorithms developed to predict the effect of missense changes on protein structure and function (SIFT, PolyPhen-2, Align-GVGD) all suggest that this variant is likely to be tolerated, but these predictions have not been confirmed by published functional studies and their clinical significance is uncertain. This variant has not been reported in the literature in individuals with POLE-related conditions. This variant is not present in population databases (ExAC no frequency). This sequence change replaces proline with arginine at codon 135 of the POLE protein (p.Pro135Arg). The proline residue is moderately conserved and there is a moderate physicochemical difference between proline and arginine.